The following is an entry in ClinVar:

ClinVar aggregate classification (germline): Uncertain significance (1 of 4 stars; one submission).

Conditions:
Autosomal recessive limb-girdle muscular dystrophy type 2O. Also called: MUSCULAR DYSTROPHY-DYSTROGLYCANOPATHY, LIMB-GIRDLE, POMGNT1-RELATED; Limb-Girdle Muscular Dystrophy Type 3C; MUSCULAR DYSTROPHY-DYSTROGLYCANOPATHY (LIMB-GIRDLE), TYPE C, 3. Identifiers: Orphanet 206564, MedGen C3150417, MONDO:0013161, OMIM 613157.

Submission:

Neuberg Centre For Genomic Medicine, NCGM
Classification: Uncertain significance for Autosomal recessive limb-girdle muscular dystrophy type 2O. Review status: criteria provided, single submitter. Criteria: ACMG Guidelines, 2015. Collection method: clinical testing. Allele origin: germline. Inheritance: Autosomal recessive inheritance. Affected: yes.
Comment: The missense c.1742T>C (p.Met581Thr) variant in POMGNT1 gene has not been reported previously as a pathogenic variant nor as a benign variant, to our knowledge. The variant is novel (not in any individuals) in gnomAD Exomes and 1000 Genomes. The amino acid Met at position 581 is changed to a Thr changing protein sequence and it might alter its composition and physico-chemical properties. The amino acid change p.Met581Thr in POMGNT1 is predicted as conserved by GERP++ and PhyloP across 100 vertebrates. For these reasons, this variant has been classified as Uncertain significance.

NM_017739.4(POMGNT1):c.1742T>C (p.Met581Thr)

Genes: TSPAN1 (tetraspanin 1; plus strand), POMGNT1 (protein O-linked mannose N-acetylglucosaminyltransferase 1 (beta 1,2-); minus strand). Cytogenetic location: 1p34.1.
Variant type: single nucleotide variant.
Coding change: c.1742T>C on transcript NM_017739.4 (MANE Select); coding-DNA position 1742, T replaced by C.
Protein change: p.Met581Thr; replaces methionine 581 with threonine.
Molecular consequence: missense variant.
Genome position (GRCh38, 1-based): chr1:46,189,897, A>G on the plus strand (T>C on the coding strand, the complement: POMGNT1 is on the minus strand). VCF-style: chr1-46189897-A-G. GRCh37 (hg19) VCF-style: chr1-46655569-A-G.
Other names: c.1742T>C, p.Met581Thr (NM_001243766.2, NM_001410783.1); c.1676T>C, p.Met559Thr (NM_001290129.3); c.1313T>C, p.Met438Thr (NM_001290130.2); short protein forms M438T, M581T, M559T.
Identifiers: ClinVar variation 2585045 (VCV002585045.1), dbSNP rs1657616377, ClinGen allele CA340171345.